The following is an entry in ClinVar:

NM_006311.4(NCOR1):c.6870G>A (p.Met2290Ile)

Genes: NCOR1 (nuclear receptor corepressor 1; minus strand), TTC19 (tetratricopeptide repeat domain 19; plus strand). Cytogenetic location: 17p12.
Variant type: single nucleotide variant.
Coding change: c.6870G>A on transcript NM_006311.4 (MANE Select); coding-DNA position 6870, G replaced by A.
Protein change: p.Met2290Ile; replaces methionine 2290 with isoleucine.
Molecular consequence: missense variant.
Genome position (GRCh38, 1-based): chr17:16,039,518, C>T on the plus strand (G>A on the coding strand, the complement: NCOR1 is on the minus strand). VCF-style: chr17-16039518-C-T. GRCh37 (hg19) VCF-style: chr17-15942832-C-T.
Other names: NC_000017.10:g.15942832C>T; c.6561G>A, p.Met2187Ile (NM_001190440.2); short protein forms M2290I, M2187I.
Identifiers: ClinVar variation 722211 (VCV000722211.29), dbSNP rs139149781, ClinGen allele CA8407871.
Genomic context (GRCh38, chr17:16,039,518, plus strand): 5'-CTCTCTTCGTGTCTCACCACTGGTCACAACTGAGGTGTTGGCAGTACCAGGCACTACTCC[C>T]ATAGGCTGGGACATGACAACTCCATGATCCTCAACTTTGTCATCAAAGCTTCCCATGAGA-3'
Protein context (NP_006302.2, residues 2280-2300): EDHGVVMSQP[Met2290Ile]GVVPGTANTS

ClinVar aggregate classification (germline): Benign/Likely benign. Review status: criteria provided, multiple submitters, no conflicts (2 of 4 stars). 6 submissions from 6 submitters: Benign (3); Likely benign (2). 1 of the submissions does not count toward it. Last evaluated 2025-08-18.

Conditions:
NCOR1-related disorder. Also called: NCOR1-related condition.

Allele frequency attached by ClinVar (database versions not stated): gnomAD exomes 0.00210 and 0.00122; ExAC 0.00249; 1000 Genomes Project 30x 0.00359; 1000 Genomes Project 0.00379; ESP Exome Variant Server 0.00038; gnomAD 0.00041 and 0.00092; TOPMed 0.00056.
gnomAD v4.1: 1,945 of 1,614,140 alleles (0.12%); highest among the groups gnomAD compares: South Asian, 1.4%; 18 homozygotes.

Submissions (7):

Genomic Medicine Center of Excellence, King Faisal Specialist Hospital and Research Centre
Classification: Likely benign. Last evaluated: 2025-08-18. Review status: criteria provided, single submitter. Criteria: ACMG Guidelines, 2015. Collection method: clinical testing. Allele origin: germline.

Blueprint Genetics
Classification: Likely benign. Last evaluated: 2024-11-26. Review status: criteria provided, single submitter. Criteria: ACMG Guidelines, 2015. Collection method: clinical testing. Allele origin: germline.

CeGaT Center for Human Genetics Tuebingen
Classification: Benign. Last evaluated: 2024-11-01. Review status: criteria provided, single submitter. Criteria: CeGaT Center For Human Genetics Tuebingen Variant Classification Criteria Version 2. Collection method: clinical testing. Allele origin: germline. Affected: yes. Observed: 2 variant alleles.
Comment: NCOR1: BP4, BS1, BS2

Labcorp Genetics (formerly Invitae), Labcorp
Classification: Benign. Last evaluated: 2018-12-31. Review status: criteria provided, single submitter. Criteria: Invitae Variant Classification Sherloc (09022015). Collection method: clinical testing. Allele origin: germline.

Breakthrough Genomics
Classification: Benign. Review status: criteria provided, single submitter. Criteria: ACMG Guidelines, 2015. Collection method: not provided. Allele origin: germline. Inheritance: Unknown mechanism. Affected: yes.

PreventionGenetics, part of Exact Sciences
Classification: Benign for NCOR1-related condition. Last evaluated: 2020-01-23. Review status: no assertion criteria provided. Collection method: clinical testing. Allele origin: germline. Not counted in ClinVar's aggregate classification.
Comment: This variant is classified as benign based on ACMG/AMP sequence variant interpretation guidelines (Richards et al. 2015 PMID: 25741868, with internal and published modifications).

Dr. Peter K. Rogan Lab, Western University
No classification provided (evidence only). Condition: Clear cell carcinoma of kidney. Review status: no classification provided. Collection method: in vitro. Allele origin: not applicable. Functional consequence: retained intron. Not counted in ClinVar's aggregate classification.